The following is an entry in ClinVar:

NM_018942.3(HMX1):c.488A>C (p.Glu163Ala)

Gene: HMX1 (H6 family homeobox 1; minus strand). Cytogenetic location: 4p16.1.
Variant type: single nucleotide variant.
Coding change: c.488A>C on transcript NM_018942.3 (MANE Select); coding-DNA position 488, A replaced by C.
Protein change: p.Glu163Ala; replaces glutamic acid 163 with alanine.
Molecular consequence: missense variant. On other transcripts: intron variant (1).
Genome position (GRCh38, 1-based): chr4:8,868,252, T>G on the plus strand (A>C on the coding strand, the complement: HMX1 is on the minus strand). VCF-style: chr4-8868252-T-G. GRCh37 (hg19) VCF-style: chr4-8869978-T-G.
Other names: c.394+2969A>C (NM_001306142.2); c.488A>C (NM_018942.2); short protein forms E163A.
Identifiers: ClinVar variation 1168750 (VCV001168750.12), dbSNP rs373760055, ClinGen allele CA2854303.
Genomic context (GRCh38, chr4:8,868,252, plus strand): 5'-GCCAGCTCCGACGCCTCCTCCGTGCCGGCCGCCGGGCCACGCGCCGCCAGCTCCGCTGCC[T>G]CCCGCTGCACCGCTCCCGGCCCGGGGCCTCGCGGCCAGGCGCCCTCCGCACGGCCCATCT-3'
Protein context (NP_061815.2, residues 153-173): RGPGPGAVQR[Glu163Ala]AAELAARGPA

ClinVar aggregate classification (germline): Benign/Likely benign. Review status: criteria provided, multiple submitters, no conflicts (2 of 4 stars). 4 submissions from 4 submitters: Benign (3); Likely benign (1). Last evaluated 2026-03-05.

Conditions:
HMX1-related disorder. Also called: HMX1-related condition.

Allele frequency attached by ClinVar (database versions not stated): TOPMed 0.00004; gnomAD 0.00041; gnomAD exomes 0.00209; 1000 Genomes Project 30x 0.00375; 1000 Genomes Project 0.00399; ExAC 0.00911.
gnomAD v4.1: 801 of 1,437,728 alleles (0.056%); highest among the groups gnomAD compares: South Asian, 1%; 10 homozygotes.

Submissions (4):

PreventionGenetics, part of Exact Sciences
Classification: Benign for HMX1-related condition. Last evaluated: 2026-03-05. Review status: criteria provided, single submitter. Criteria: ACMG Guidelines, 2015. Collection method: clinical testing. Allele origin: germline.
Comment: This variant is classified as benign based on ACMG/AMP sequence variant interpretation guidelines (Richards et al. 2015 PMID: 25741868, with internal and published modifications).

Labcorp Genetics (formerly Invitae), Labcorp
Classification: Benign. Last evaluated: 2025-09-25. Review status: criteria provided, single submitter. Criteria: Invitae Variant Classification Sherloc (09022015). Collection method: clinical testing. Allele origin: germline.

Blueprint Genetics
Classification: Likely benign. Last evaluated: 2024-11-21. Review status: criteria provided, single submitter. Criteria: ACMG Guidelines, 2015. Collection method: clinical testing. Allele origin: germline.

Breakthrough Genomics
Classification: Benign. Review status: criteria provided, single submitter. Criteria: ACMG Guidelines, 2015. Collection method: not provided. Allele origin: germline. Inheritance: Autosomal recessive inheritance. Affected: yes.